The following is an entry in ClinVar:

NM_025216.3(WNT10A):c.433G>A (p.Val145Met)

Gene: WNT10A (Wnt family member 10A; plus strand). Cytogenetic location: 2q35.
Variant type: single nucleotide variant.
Coding change: c.433G>A on transcript NM_025216.3 (MANE Select); coding-DNA position 433, G replaced by A.
Protein change: p.Val145Met; replaces valine 145 with methionine.
Molecular consequence: missense variant.
Genome position (GRCh38, 1-based): chr2:218,890,040, G>A. VCF-style: chr2-218890040-G-A. GRCh37 (hg19) VCF-style: chr2-219754762-G-A.
Other names: short protein forms V145M.
Identifiers: ClinVar variation 464182 (VCV000464182.15), dbSNP rs543063101, ClinGen allele CA2113928.

ClinVar aggregate classification (germline): Pathogenic/Likely pathogenic. Review status: criteria provided, multiple submitters, no conflicts (2 of 4 stars). 6 submissions from 6 submitters: Pathogenic (2); Likely pathogenic (4). Last evaluated 2026-09-01.

Conditions:
Odonto-onycho-dermal dysplasia. Identifiers: Orphanet 2721, MedGen C0796093, MONDO:0009773, OMIM 257980.
Tooth agenesis, selective, 4 (STHAG4). Also called: TOOTH AGENESIS, SELECTIVE, 4, WITH OR WITHOUT ECTODERMAL DYSPLASIA; LATERAL INCISORS, ABSENCE OF; LATERAL INCISORS, PEGGED OR MISSING; SUCCEDANEOUS TEETH, AGENESIS OF. Identifiers: Orphanet 99798, MedGen C1835492, MONDO:0007881, OMIM 150400. Disease mechanism: loss of function.
Schöpf-Schulz-Passarge syndrome. Also called: ECCRINE TUMORS WITH ECTODERMAL DYSPLASIA; KERATOSIS PALMOPLANTARIS WITH CYSTIC EYELIDS, HYPODONTIA, AND HYPOTRICHOSIS; SchC6pf-Schulz-Passarge syndrome. Identifiers: Orphanet 50944, MedGen C1857069, MONDO:0009145, OMIM 224750.

Allele frequency attached by ClinVar (database versions not stated): TOPMed 0.00002; 1000 Genomes Project 30x 0.00016; 1000 Genomes Project 0.00020.
gnomAD v4.1: 43 of 1,613,940 alleles (0.0027%); highest among the groups gnomAD compares: South Asian, 0.03%; no homozygotes.

Submissions (6):

CeGaT Center for Human Genetics Tuebingen
Classification: Pathogenic. Last evaluated: 2026-09-01. Review status: criteria provided, single submitter. Criteria: CeGaT Center For Human Genetics Tuebingen Variant Classification Criteria Version 2. Collection method: clinical testing. Allele origin: germline. Affected: yes. Observed: 1 variant allele.
Comment: WNT10A: PM3:Strong, PP1:Strong, PM2, PP3

Dasa
Classification: Likely pathogenic. Last evaluated: 2025-12-23. Review status: criteria provided, single submitter. Criteria: DASA Assertion Criteria. Collection method: clinical testing. Allele origin: germline.
Comment: NM_025216.3(WNT10A):c.433G>A (p.Val145Met) is a missense variant that results in the substitution of valine with methionine. This variant has been recurrently observed in individuals with WNT10A-related disorders (PMID: 20979233; PMID: 30974434; PMID: 24398796). Functional evidence supports an impact on the gene or gene product (PMID: 20979233; PMID: 30974434; PMID: 24398796; PMID: 33034246). Also, this variant is rare in population databases. Computational evidence supports a deleterious effect. Based on the currently available evidence, this variant is classified as likely pathogenic.

Natera, Inc.
Classification: Likely pathogenic for Schopf-Schulz-Passarge syndrome. Last evaluated: 2025-11-04. Review status: criteria provided, single submitter. Criteria: Natera Variant Classification Schema (03/2026). Collection method: clinical testing. Allele origin: germline.
Comment: The c.433G>A variant in WNT10A is a missense variant predicted to cause substitution of valine to methionine at amino acid 145. This variant is rare in the general population with a frequency below the threshold expected for the associated phenotype(s). This variant has been observed in one or more individuals affected with the associated recessive disease, as either homozygous or compound heterozygous with a second variant (PMID: 34593752, 30974434, 34593752, 28813618). Additionally, this variant has been observed to segregate in affected family members (PMID: 34593752). Computational prediction algorithms indicate this variant is likely to affect gene or protein function. Given the available evidence, this variant is classified as Likely Pathogenic.

Labcorp Genetics (formerly Invitae), Labcorp
Classification: Pathogenic for Tooth agenesis, selective, 4; Odonto-onycho-dermal dysplasia. Last evaluated: 2025-07-06. Review status: criteria provided, single submitter. Criteria: Invitae Variant Classification Sherloc (09022015). Collection method: clinical testing. Allele origin: germline.
Comment: This sequence change replaces valine, which is neutral and non-polar, with methionine, which is neutral and non-polar, at codon 145 of the WNT10A protein (p.Val145Met). This variant is present in population databases (rs543063101, gnomAD 0.03%). This missense change has been observed in individual(s) with clinical features of odontoonychodermal dysplasia (PMID: 20979233, 30974434; internal data). It has also been observed to segregate with disease in related individuals. ClinVar contains an entry for this variant (Variation ID: 464182). Invitae Evidence Modeling of protein sequence and biophysical properties (such as structural, functional, and spatial information, amino acid conservation, physicochemical variation, residue mobility, and thermodynamic stability) has been performed for this missense variant. However, the output from this modeling did not meet the statistical confidence thresholds required to predict the impact of this variant on WNT10A protein function. Experimental studies have shown that this missense change affects WNT10A function (PMID: 33034246). For these reasons, this variant has been classified as Pathogenic.

Fulgent Genetics
Classification: Likely pathogenic for Tooth agenesis, selective, 4; Schöpf-Schulz-Passarge syndrome; Odonto-onycho-dermal dysplasia. Last evaluated: 2024-02-22. Review status: criteria provided, single submitter. Criteria: ACMG Guidelines, 2015. Collection method: clinical testing. Allele origin: germline.

MGZ Medical Genetics Center
Classification: Likely pathogenic for Odonto-onycho-dermal dysplasia. Last evaluated: 2022-07-26. Review status: criteria provided, single submitter. Criteria: ACMG Guidelines, 2015. Collection method: clinical testing. Allele origin: germline. Affected: yes. Observed: 2 variant alleles.
Comment: ACMG criteria applied: PS4, PM2_SUP, PM3_SUP, PP1, PP3

Literature cited by the submitters: PubMed 20979233 (cited by Dasa and Labcorp Genetics (formerly Invitae), Labcorp); PubMed 30974434 (cited by 3 submitters); PubMed 24398796 (cited by Dasa); PubMed 33034246 (cited by Dasa and Labcorp Genetics (formerly Invitae), Labcorp); PubMed 34593752 (cited by Natera, Inc.); PubMed 28813618 (cited by Natera, Inc.).